The following is an entry in ClinVar:

NM_000053.4(ATP7B):c.1285+1G>T

Gene: ATP7B (ATPase copper transporting beta; minus strand). Cytogenetic location: 13q14.3.
Variant type: single nucleotide variant.
Coding change: c.1285+1G>T on transcript NM_000053.4 (MANE Select); the canonical splice donor site of the intron after coding-DNA position 1285, G replaced by T.
Molecular consequence: splice donor variant.
Genome position (GRCh38, 1-based): chr13:51,973,934, C>A on the plus strand (G>T on the coding strand, the complement: ATP7B is on the minus strand). VCF-style: chr13-51973934-C-A. GRCh37 (hg19) VCF-style: chr13-52548070-C-A.
Other names: c.1285+1G>T (NM_001406541.1, NM_001406531.1, NM_001406527.1 and 29 more transcripts); c.1189+1G>T (NM_001406543.1, NM_001406518.1, NM_001406544.1 and 3 more transcripts); c.952+1G>T (NM_001243182.2); c.856+1G>T (NM_001406539.1).
Identifiers: ClinVar variation 4063530 (VCV004063530.2).

ClinVar aggregate classification (germline): Likely pathogenic (1 of 4 stars; one submission).

Conditions:
Wilson disease (WND). Also called: Wilson's disease. Identifiers: Orphanet 905, MedGen C0019202, MONDO:0010200, OMIM 277900. Disease mechanism: loss of function.

Submission:

Natera, Inc.
Classification: Likely pathogenic for Wilson disease. Last evaluated: 2025-04-13. Review status: criteria provided, single submitter. Criteria: Natera Variant Classification Schema (03/2026). Collection method: clinical testing. Allele origin: germline.
Comment: The c.1285+1G>T variant in ATP7B is a canonical splice donor site variant predicted to affect pre-mRNA splicing, which may result in an abnormal transcript and altered protein product. This variant is expected to result in nonsense mediated decay, truncation, or a dysfunctional protein product. This variant is rare in the general population with a frequency below the threshold expected for the associated phenotype(s). Given the available evidence, this variant is classified as Likely Pathogenic.